The following is an entry in ClinVar:

ClinVar aggregate classification (germline): Uncertain significance. Review status: criteria provided, multiple submitters, no conflicts (2 of 4 stars). 2 submissions from 2 submitters: Uncertain significance (2). Last evaluated 2024-10-13.

Conditions:
Dilated cardiomyopathy 1DD (CMD1DD). Identifiers: Orphanet 154, MedGen C2750995, MONDO:0013168, OMIM 613172.
Cardiovascular phenotype. Identifiers: MedGen CN230736.

gnomAD v4.1: 1 of 1,550,250 alleles (0.000065%); highest among the groups gnomAD compares: African/African-American, 0.0014%; no homozygotes.

Submissions (2):

Labcorp Genetics (formerly Invitae), Labcorp
Classification: Uncertain significance for Dilated cardiomyopathy 1DD. Last evaluated: 2024-10-13. Review status: criteria provided, single submitter. Criteria: Invitae Variant Classification Sherloc (09022015). Collection method: clinical testing. Allele origin: germline.
Comment: This sequence change replaces leucine, which is neutral and non-polar, with arginine, which is basic and polar, at codon 1132 of the RBM20 protein (p.Leu1132Arg). This variant is not present in population databases (gnomAD no frequency). This variant has not been reported in the literature in individuals affected with RBM20-related conditions. ClinVar contains an entry for this variant (Variation ID: 2190197). Invitae Evidence Modeling of protein sequence and biophysical properties (such as structural, functional, and spatial information, amino acid conservation, physicochemical variation, residue mobility, and thermodynamic stability) indicates that this missense variant is not expected to disrupt RBM20 protein function with a negative predictive value of 95%. In summary, the available evidence is currently insufficient to determine the role of this variant in disease. Therefore, it has been classified as a Variant of Uncertain Significance.

Ambry Genetics
Classification: Uncertain significance for Cardiovascular phenotype. Last evaluated: 2023-03-13. Review status: criteria provided, single submitter. Criteria: Ambry Variant Classification Scheme 2023. Collection method: clinical testing. Allele origin: germline.
Comment: The p.L1132R variant (also known as c.3395T>G), located in coding exon 12 of the RBM20 gene, results from a T to G substitution at nucleotide position 3395. The leucine at codon 1132 is replaced by arginine, an amino acid with dissimilar properties. This amino acid position is conserved. In addition, this alteration is predicted to be tolerated by in silico analysis. Since supporting evidence is limited at this time, the clinical significance of this alteration remains unclear.

NM_001134363.3(RBM20):c.3395T>G (p.Leu1132Arg)

Gene: RBM20 (RNA binding motif protein 20; plus strand). Cytogenetic location: 10q25.2.
Variant type: single nucleotide variant.
Coding change: c.3395T>G on transcript NM_001134363.3 (MANE Select); coding-DNA position 3395, T replaced by G.
Protein change: p.Leu1132Arg; replaces leucine 1132 with arginine.
Molecular consequence: missense variant.
Genome position (GRCh38, 1-based): chr10:110,823,558, T>G. VCF-style: chr10-110823558-T-G. GRCh37 (hg19) VCF-style: chr10-112583316-T-G.
Other names: short protein forms L1132R.
Identifiers: ClinVar variation 2190197 (VCV002190197.6), dbSNP rs1043414715, ClinGen allele CA213231074.
Genomic context (GRCh38, chr10:110,823,558, plus strand): 5'-AAATGAAATCTCTGGAGGTGAGGTCACCAGAGTACACTGAAGTGGAACTGAAACAGCCCC[T>G]TTCTTTGCCCTCTTGGGAACCAGAGGATGTGTTCAGTGAACTTAGCATTCCTCTAGGTAA-3'
Protein context (NP_001127835.2, residues 1122-1142): EYTEVELKQP[Leu1132Arg]SLPSWEPEDV